The following is an entry in ClinVar:

NM_000051.4(ATM):c.6007-2A>C

Genes: ATM (ATM serine/threonine kinase; plus strand), C11orf65 (chromosome 11 open reading frame 65; minus strand). Cytogenetic location: 11q22.3.
Variant type: single nucleotide variant.
Coding change: c.6007-2A>C on transcript NM_000051.4 (MANE Select); the canonical splice acceptor site of the intron before coding-DNA position 6007, A replaced by C.
Molecular consequence: splice acceptor variant. On other transcripts: intron variant (2).
Genome position (GRCh38, 1-based): chr11:108,315,821, A>C. VCF-style: chr11-108315821-A-C. GRCh37 (hg19) VCF-style: chr11-108186548-A-C.
Other names: c.6007-2A>C (NM_001351834.2); c.641-6750T>G (NM_001330368.2); c.*39-6750T>G (NM_001351110.2).
Identifiers: ClinVar variation 3222124 (VCV003222124.1), dbSNP rs2136117225, ClinGen allele CA382549755.

ClinVar aggregate classification (germline): Likely pathogenic (1 of 4 stars; one submission).

Conditions:
Hereditary cancer-predisposing syndrome. Also called: Tumor predisposition; Hereditary Cancer Syndrome; Hereditary neoplastic syndrome; Neoplastic Syndromes, Hereditary. Identifiers: Orphanet 140162, MedGen C0027672, MeSH D009386, MONDO:0015356.

Submission:

Ambry Genetics
Classification: Likely pathogenic for Hereditary cancer-predisposing syndrome. Last evaluated: 2023-10-27. Review status: criteria provided, single submitter. Criteria: Ambry Variant Classification Scheme 2023. Collection method: clinical testing. Allele origin: germline.
Comment: The c.6007-2A>C intronic variant results from an A to C substitution two nucleotides upstream from coding exon 40 in the ATM gene. This variant is considered to be rare based on population cohorts in the Genome Aggregation Database (gnomAD). This nucleotide position is highly conserved in available vertebrate species. In silico splice site analysis predicts that this alteration will weaken the native splice acceptor site and will result in the creation or strengthening of a novel splice acceptor site. Alterations that disrupt the canonical splice site are expected to cause aberrant splicing, resulting in an abnormal protein or a transcript that is subject to nonsense-mediated mRNA decay. As such, this alteration is classified as likely pathogenic.